The following is an entry in ClinVar:

NM_000255.4(MMUT):c.1445-2A>G

Gene: MMUT (methylmalonyl-CoA mutase; minus strand). Cytogenetic location: 6p12.3.
Variant type: single nucleotide variant.
Coding change: c.1445-2A>G on transcript NM_000255.4 (MANE Select); the canonical splice acceptor site of the intron before coding-DNA position 1445, A replaced by G.
Molecular consequence: splice acceptor variant.
Genome position (GRCh38, 1-based): chr6:49,447,787, T>C on the plus strand (A>G on the coding strand, the complement: MMUT is on the minus strand). VCF-style: chr6-49447787-T-C. GRCh37 (hg19) VCF-style: chr6-49415500-T-C.
Identifiers: ClinVar variation 92679 (VCV000092679.8), dbSNP rs398123276, ClinGen allele CA220547.
Genomic context (GRCh38, chr6:49,447,787, plus strand): 5'-TTCTACAGCGTCTTCTTTTTCCAACTGGTACTTATTTACTCCAACAATTACTTCAGAACC[T>C]GGTAATTTCCCAAAGAAAAATTTTATTCACAAATAATTACCTAATTGTAATGCTCTGGTT-3'

ClinVar aggregate classification (germline): Pathogenic/Likely pathogenic. Review status: criteria provided, multiple submitters, no conflicts (2 of 4 stars). 3 submissions from 3 submitters: Pathogenic (2); Likely pathogenic (1). Last evaluated 2025-09-05.

Conditions:
Methylmalonic aciduria due to complete methylmalonyl-CoA mutase deficiency.
Methylmalonic aciduria due to methylmalonyl-CoA mutase deficiency (MAMM). Also called: Methylmalonic aciduria, mut type. Identifiers: Orphanet 27, MedGen C1855114, MONDO:0009612, OMIM 251000.

Allele frequency attached by ClinVar (database versions not stated): TOPMed 0.00001.

Submissions (3):

Natera, Inc.
Classification: Pathogenic for Methylmalonic aciduria due to complete methylmalonyl-CoA mutase deficiency. Last evaluated: 2025-09-05. Review status: criteria provided, single submitter. Criteria: Natera Variant Classification Schema (03/2026). Collection method: clinical testing. Allele origin: germline.
Comment: The c.1445-2A>G variant in MMUT is a canonical splice acceptor site variant predicted to affect pre-mRNA splicing, which may result in an abnormal transcript and altered protein product. This variant is expected to result in nonsense mediated decay, truncation, or a dysfunctional protein product. This variant is rare in the general population with a frequency below the threshold expected for the associated phenotype(s). This variant has been observed in one or more individuals affected with the associated recessive disease, as either homozygous or compound heterozygous with a second variant (PMID: 39075538). Given the available evidence, this variant is classified as Pathogenic.

Fulgent Genetics
Classification: Likely pathogenic for Methylmalonic aciduria due to methylmalonyl-CoA mutase deficiency. Last evaluated: 2022-02-24. Review status: criteria provided, single submitter. Criteria: ACMG Guidelines, 2015. Collection method: clinical testing. Allele origin: unknown.

Eurofins Ntd Llc (ga)
Classification: Pathogenic. Last evaluated: 2013-04-03. Review status: criteria provided, single submitter. Criteria: EGL Classification Definitions. Collection method: clinical testing. Allele origin: germline. Observed: 1 variant allele, 1 heterozygote.

Literature cited by the submitters: PubMed 39075538 (cited by Natera, Inc.).